The following is an entry in ClinVar:

ClinVar aggregate classification (germline): Pathogenic (1 of 4 stars; one submission).

Submission:

Labcorp Genetics (formerly Invitae), Labcorp
Classification: Pathogenic. Last evaluated: 2023-04-28. Review status: criteria provided, single submitter. Criteria: Invitae Variant Classification Sherloc (09022015). Collection method: clinical testing. Allele origin: germline.
Comment: For these reasons, this variant has been classified as Pathogenic. This variant has not been reported in the literature in individuals affected with ARSG-related conditions. This variant is not present in population databases (gnomAD no frequency). This sequence change creates a premature translational stop signal (p.Arg385Leufs*2) in the ARSG gene. It is expected to result in an absent or disrupted protein product. Loss-of-function variants in ARSG are known to be pathogenic (PMID: 26975023, 34223797).

Literature cited by the submitters: PubMed 26975023; PubMed 34223797.

NM_001267727.2(ARSG):c.1154_1155del (p.Arg385fs)

Gene: ARSG (arylsulfatase G; plus strand). Cytogenetic location: 17q24.2.
Variant type: Microsatellite.
Coding change: c.1154_1155del on transcript NM_001267727.2 (MANE Select); coding-DNA positions 1154 to 1155, 2 bases deleted (GC; older notation c.1154_1155delGC).
Protein change: p.Arg385fs; shifts the reading frame from arginine 385.
Molecular consequence: frameshift variant.
Genome position (GRCh38, 1-based): chr17:68,395,135-68,395,136, GC deleted; deleting any 2 consecutive bases within chr17:68,395,133-68,395,136 gives the same sequence; the c. name uses the placement nearest the transcript's 3' end. VCF-style (leftmost placement, unchanged base first): chr17-68395132-GGC-G. GRCh37 (hg19) VCF-style: chr17-66391273-GGC-G.
Other names: c.1154_1155del, p.Arg385fs (NM_001352899.2, NM_001352900.2, NM_001352901.2 and 3 more transcripts); c.1151_1152del, p.Arg384fs (NM_001352903.2, NM_001352904.2, NM_001352905.2 and 2 more transcripts); c.1106_1107del, p.Arg369fs (NM_001352909.2); short protein forms R369fs, R384fs, R385fs.
Identifiers: ClinVar variation 2860488 (VCV002860488.3), dbSNP rs2509554461, ClinGen allele CA2739268345.
Genomic context (GRCh38, chr17:68,395,132, plus strand): 5'-GCGTGCTGGACATTTTTCCAACTGTGGTAGCCCTGGCCCAGGCCAGCTTACCTCAAGGAC[GGC>G]GCTTTGATGGTGTGGACGTCTCCGAGGTGCTCTTTGGCCGGTCACAGCCTGGGCACAGGG-3'